The following is an entry in ClinVar:

NM_000245.4(MET):c.197C>T (p.Ala66Val)

Gene: MET (MET proto-oncogene, receptor tyrosine kinase; plus strand). Cytogenetic location: 7q31.2.
Variant type: single nucleotide variant.
Coding change: c.197C>T on transcript NM_000245.4 (MANE Select); coding-DNA position 197, C replaced by T.
Protein change: p.Ala66Val; replaces alanine 66 with valine.
Molecular consequence: missense variant. On other transcripts: intron variant (1).
Genome position (GRCh38, 1-based): chr7:116,699,281, C>T. VCF-style: chr7-116699281-C-T. GRCh37 (hg19) VCF-style: chr7-116339335-C-T.
Other names: c.197C>T, p.Ala66Val (NM_001127500.3, NM_001324401.3); c.-91+26704C>T (NM_001324402.2); short protein forms A66V.
Identifiers: ClinVar variation 2612816 (VCV002612816.4), dbSNP rs2485506572, ClinGen allele CA368968548.

ClinVar aggregate classification (germline): Uncertain significance. Review status: criteria provided, multiple submitters, no conflicts (2 of 4 stars). 2 submissions from 2 submitters: Uncertain significance (2). Last evaluated 2025-12-09.

Conditions:
Renal cell carcinoma. Identifiers: Orphanet 217071, MedGen C0007134, MeSH D002292, MONDO:0005086, HP:0005584.
Hereditary cancer-predisposing syndrome. Also called: Tumor predisposition; Hereditary Cancer Syndrome; Hereditary neoplastic syndrome; Neoplastic Syndromes, Hereditary. Identifiers: Orphanet 140162, MedGen C0027672, MeSH D009386, MONDO:0015356.

Allele frequency attached by ClinVar (database versions not stated): gnomAD exomes below 0.00001.
gnomAD v4.1: 4 of 1,614,008 alleles (0.00025%); highest among the groups gnomAD compares: Middle Eastern, 0.017%; no homozygotes.

Submissions (2):

Labcorp Genetics (formerly Invitae), Labcorp
Classification: Uncertain significance for Renal cell carcinoma. Last evaluated: 2025-12-09. Review status: criteria provided, single submitter. Criteria: Invitae Variant Classification Sherloc (09022015). Collection method: clinical testing. Allele origin: germline.
Comment: This sequence change replaces alanine, which is neutral and non-polar, with valine, which is neutral and non-polar, at codon 66 of the MET protein (p.Ala66Val). This variant is not present in population databases (gnomAD no frequency). This variant has not been reported in the literature in individuals affected with MET-related conditions. ClinVar contains an entry for this variant (Variation ID: 2612816). Invitae Evidence Modeling of protein sequence and biophysical properties (such as structural, functional, and spatial information, amino acid conservation, physicochemical variation, residue mobility, and thermodynamic stability) indicates that this missense variant is not expected to disrupt MET protein function with a negative predictive value of 80%. In summary, the available evidence is currently insufficient to determine the role of this variant in disease. Therefore, it has been classified as a Variant of Uncertain Significance.

Ambry Genetics
Classification: Uncertain significance for Hereditary cancer-predisposing syndrome. Last evaluated: 2025-10-10. Review status: criteria provided, single submitter. Criteria: Ambry Variant Classification Scheme 2023. Collection method: clinical testing. Allele origin: germline.
Comment: The p.A66V variant (also known as c.197C>T), located in coding exon 1 of the MET gene, results from a C to T substitution at nucleotide position 197. The alanine at codon 66 is replaced by valine, an amino acid with similar properties. This amino acid position is highly conserved in available vertebrate species. In addition, the in silico prediction for this alteration is inconclusive. Since supporting evidence is limited at this time, the clinical significance of this alteration remains unclear.